The following is an entry in ClinVar:

NM_001129.5(AEBP1):c.730dup (p.Tyr244fs)

Gene: AEBP1 (AE binding protein 1; plus strand). Cytogenetic location: 7p13.
Variant type: Duplication.
Coding change: c.730dup on transcript NM_001129.5 (MANE Select); coding-DNA position 730, one base duplicated (T; older notation c.730dupT).
Protein change: p.Tyr244fs; shifts the reading frame from tyrosine 244.
Molecular consequence: frameshift variant.
Genome position (GRCh38, 1-based): chr7:44,107,691, T duplicated. VCF-style (leftmost placement, unchanged base first): chr7-44107690-C-CT. GRCh37 (hg19) VCF-style: chr7-44147289-C-CT.
Other names: short protein forms Y244fs.
Identifiers: ClinVar variation 3382108 (VCV003382108.4).

ClinVar aggregate classification (germline): Pathogenic/Likely pathogenic. Review status: criteria provided, multiple submitters, no conflicts (2 of 4 stars). 2 submissions from 2 submitters: Pathogenic (1); Likely pathogenic (1). Last evaluated 2025-01-27.

Conditions:
Ehlers-Danlos syndrome, classic-like, 2. Identifiers: Orphanet 536532, MedGen C4693870, MONDO:0054813, OMIM 618000.

Submissions (2):

Labcorp Genetics (formerly Invitae), Labcorp
Classification: Pathogenic. Last evaluated: 2025-01-27. Review status: criteria provided, single submitter. Criteria: Invitae Variant Classification Sherloc (09022015). Collection method: clinical testing. Allele origin: germline.
Comment: This sequence change creates a premature translational stop signal (p.Tyr244Leufs*2) in the AEBP1 gene. It is expected to result in an absent or disrupted protein product. Loss-of-function variants in AEBP1 are known to be pathogenic (PMID: 29606302). This variant is not present in population databases (gnomAD no frequency). This variant has not been reported in the literature in individuals affected with AEBP1-related conditions. ClinVar contains an entry for this variant (Variation ID: 3382108). For these reasons, this variant has been classified as Pathogenic.

Juno Genomics, Hangzhou Juno Genomics, Inc
Classification: Likely pathogenic for Ehlers-Danlos syndrome, classic-like, 2. Review status: criteria provided, single submitter. Criteria: ACMG Guidelines, 2015. Collection method: clinical testing. Allele origin: germline. Affected: yes.
Comment: Absent from controls (or at extremely low frequency if recessive) in Genome Aggregation Database, Exome Sequencing Project, 1000 Genomes Project, or Exome Aggregation Consortium.;Null variant in a gene where loss of function (LOF) is a known mechanism of disease.

Literature cited by the submitters: PubMed 29606302 (cited by Labcorp Genetics (formerly Invitae), Labcorp).